The following is an entry in ClinVar:

NM_138694.4(PKHD1):c.11425G>A (p.Gly3809Ser)

Gene: PKHD1 (PKHD1 ciliary IPT domain containing fibrocystin/polyductin; minus strand). Cytogenetic location: 6p12.3.
Variant type: single nucleotide variant.
Coding change: c.11425G>A on transcript NM_138694.4 (MANE Select); coding-DNA position 11425, G replaced by A.
Protein change: p.Gly3809Ser; replaces glycine 3809 with serine.
Molecular consequence: missense variant.
Genome position (GRCh38, 1-based): chr6:51,638,930, C>T on the plus strand (G>A on the coding strand, the complement: PKHD1 is on the minus strand). VCF-style: chr6-51638930-C-T. GRCh37 (hg19) VCF-style: chr6-51503728-C-T.
Other names: p.Gly3809Ser; short protein forms G3809S.
Identifiers: ClinVar variation 1344993 (VCV001344993.5), dbSNP rs1363452328, ClinGen allele CA364421948.

ClinVar aggregate classification (germline): Conflicting classifications of pathogenicity. Review status: criteria provided, conflicting classifications (1 of 4 stars). 3 submissions from 3 submitters: Likely pathogenic (1); Uncertain significance (1). 1 of the submissions does not count toward it. Last evaluated 2024-05-14.

Conditions:
Polycystic kidney disease 4 (PKD4). Also called: POLYCYSTIC KIDNEY AND HEPATIC DISEASE 1; POLYCYSTIC KIDNEY DISEASE, INFANTILE, TYPE I; PKD3; POLYCYSTIC KIDNEY DISEASE 4 WITH OR WITHOUT POLYCYSTIC LIVER DISEASE; Autosomal Recessive Polycystic Kidney Disease – PKHD1. Identifiers: MedGen C4540575, MONDO:0033004, OMIM 263200.

Allele frequency attached by ClinVar (database versions not stated): gnomAD exomes below 0.00001 and 0.00001.
gnomAD v4.1: 3 of 1,613,656 alleles (0.00019%); highest among the groups gnomAD compares: South Asian, 0.0022%; no homozygotes.

Submissions (3):

Foundation for Research in Genetics and Endocrinology, FRIGE's Institute of Human Genetics
Classification: Likely pathogenic for Polycystic kidney disease 4. Last evaluated: 2024-05-14. Review status: criteria provided, single submitter. Criteria: ACMG Guidelines, 2015. Collection method: clinical testing. Allele origin: germline. Inheritance: Autosomal recessive inheritance. Affected: yes. Observed: 1 compound heterozygote.
Comment: A heterozygous variant in exon 64 of the PKHD1 gene that results in the amino acid substitution of serine for glycine at codon 3809 was detected. The observed variant c.11425G>A has not been reported in the 1000 genomes database and has MAF 0.0033% in gnomAD databases. The in silico predictions is damaging by Mutation taster , FATHMM and SIFT. In summary, the variant meets our criteria to be classified as likely pathogenic.

GeneDx
Classification: Uncertain significance. Last evaluated: 2021-09-17. Review status: criteria provided, single submitter. Criteria: GeneDx Variant Classification Process June 2021. Collection method: clinical testing. Allele origin: germline. Affected: yes.
Comment: Not observed at significant frequency in large population cohorts (gnomAD); In silico analysis supports that this missense variant does not alter protein structure/function; Has not been previously published as pathogenic or benign to our knowledge

Genetics laboratory, Institute of Kidney Diseases & Research Centre Dr. H.L. Trivedi Institute Of Transplantation Sciences
Classification: Uncertain significance for Polycystic kidney disease 4. Last evaluated: 2024-02-23. Review status: no assertion criteria provided. Collection method: clinical testing. Allele origin: germline. Inheritance: Autosomal recessive inheritance. Affected: yes. Not counted in ClinVar's aggregate classification.
Comment: A heterozygous variant c.11425G>A has been observed with MAF of 0.0032% in the gnomAD database. Both variants are predicted to be deleterious by CADD, SIFT and REVEL.the variant c.11425G>A is classified as a variant of uncertain significance according to the ACMG AMP classification system and ClinGen framework